The following is an entry in ClinVar:

ClinVar aggregate classification (germline): Uncertain significance (1 of 4 stars; one submission).

Conditions:
Inborn genetic diseases. Identifiers: MedGen C0950123, MeSH D030342.

gnomAD v4.1: 2 of 1,614,124 alleles (0.00012%); highest among the groups gnomAD compares: African/African-American, 0.0027%; no homozygotes.

Submission:

Ambry Genetics
Classification: Uncertain significance for Inborn genetic diseases. Last evaluated: 2026-08-04. Review status: criteria provided, single submitter. Criteria: Ambry Variant Classification Scheme 2023. Collection method: clinical testing. Allele origin: germline.
Comment: The c.1025T>A (p.L342Q) alteration is located in exon 11 (coding exon 11) of the CCBE1 gene. This alteration results from a T to A substitution at nucleotide position 1025, causing the leucine (L) at amino acid position 342 to be replaced by a glutamine (Q). Based on data from gnomAD, the A allele has an overall frequency of <0.001% (1/251452) total alleles studied. The highest observed frequency was 0.006% (1/16256) of African alleles. Based on insufficient or conflicting evidence, the clinical significance of this alteration remains unclear.

NM_133459.4(CCBE1):c.1025T>A (p.Leu342Gln)

Gene: CCBE1 (collagen and calcium binding EGF domains 1; minus strand). Cytogenetic location: 18q21.32.
Variant type: single nucleotide variant.
Coding change: c.1025T>A on transcript NM_133459.4 (MANE Select); coding-DNA position 1025, T replaced by A.
Protein change: p.Leu342Gln; replaces leucine 342 with glutamine.
Molecular consequence: missense variant.
Genome position (GRCh38, 1-based): chr18:59,436,104, A>T on the plus strand (T>A on the coding strand, the complement: CCBE1 is on the minus strand). VCF-style: chr18-59436104-A-T. GRCh37 (hg19) VCF-style: chr18-57103336-A-T.
Other names: short protein forms L342Q.
Identifiers: ClinVar variation 5033786 (VCV005033786.1).